The following is an entry in ClinVar:

NM_001429.4(EP300):c.494T>C (p.Met165Thr)

Gene: EP300 (EP300 lysine acetyltransferase; plus strand). Cytogenetic location: 22q13.2.
Variant type: single nucleotide variant.
Coding change: c.494T>C on transcript NM_001429.4 (MANE Select); coding-DNA position 494, T replaced by C.
Protein change: p.Met165Thr; replaces methionine 165 with threonine.
Molecular consequence: missense variant.
Genome position (GRCh38, 1-based): chr22:41,117,586, T>C. VCF-style: chr22-41117586-T-C. GRCh37 (hg19) VCF-style: chr22-41513590-T-C.
Other names: c.494T>C, p.Met165Thr (NM_001362843.2); short protein forms M165T.
Identifiers: ClinVar variation 2301336 (VCV002301336.7), dbSNP rs2518116415, ClinGen allele CA411680912.

ClinVar aggregate classification (germline): Uncertain significance. Review status: criteria provided, multiple submitters, no conflicts (2 of 4 stars). 3 submissions from 3 submitters: Uncertain significance (3). Last evaluated 2025-08-26.

Conditions:
EP300-related disorder. Also called: EP300-related disorders; EP300-related condition.
Inborn genetic diseases. Identifiers: MedGen C0950123, MeSH D030342.
Rubinstein-Taybi syndrome due to EP300 haploinsufficiency. Also called: EP300-Related Rubinstein-Taybi Syndrome; RUBINSTEIN-TAYBI SYNDROME 2. Identifiers: Orphanet 353284, Orphanet 783, MedGen C3150941, MONDO:0013364, OMIM 613684.

Submissions (3):

Labcorp Genetics (formerly Invitae), Labcorp
Classification: Uncertain significance for Rubinstein-Taybi syndrome due to EP300 haploinsufficiency. Last evaluated: 2025-08-26. Review status: criteria provided, single submitter. Criteria: Invitae Variant Classification Sherloc (09022015). Collection method: clinical testing. Allele origin: germline.
Comment: This sequence change replaces methionine, which is neutral and non-polar, with threonine, which is neutral and polar, at codon 165 of the EP300 protein (p.Met165Thr). This variant is not present in population databases (gnomAD no frequency). This variant has not been reported in the literature in individuals affected with EP300-related conditions. ClinVar contains an entry for this variant (Variation ID: 2301336). Invitae Evidence Modeling of protein sequence and biophysical properties (such as structural, functional, and spatial information, amino acid conservation, physicochemical variation, residue mobility, and thermodynamic stability) indicates that this missense variant is not expected to disrupt EP300 protein function with a negative predictive value of 95%. In summary, the available evidence is currently insufficient to determine the role of this variant in disease. Therefore, it has been classified as a Variant of Uncertain Significance.

PreventionGenetics, part of Exact Sciences
Classification: Uncertain significance for EP300-related condition. Last evaluated: 2025-04-29. Review status: criteria provided, single submitter. Criteria: ACMG Guidelines, 2015. Collection method: clinical testing. Allele origin: germline.
Comment: The EP300 c.494T>C variant is predicted to result in the amino acid substitution p.Met165Thr. To our knowledge, this variant has not been reported in the literature or in a large population database (gnomAD), indicating this variant is rare. At this time, the clinical significance of this variant is uncertain due to the absence of conclusive functional and genetic evidence.

Ambry Genetics
Classification: Uncertain significance for Inborn genetic diseases. Last evaluated: 2022-07-13. Review status: criteria provided, single submitter. Criteria: Ambry Variant Classification Scheme 2023. Collection method: clinical testing. Allele origin: germline.